The following is an entry in ClinVar:

NM_014141.6(CNTNAP2):c.1422C>T (p.Ile474=)

Gene: CNTNAP2 (contactin associated protein 2; plus strand). Cytogenetic location: 7q35.
Variant type: single nucleotide variant.
Coding change: c.1422C>T on transcript NM_014141.6 (MANE Select); coding-DNA position 1422, C replaced by T.
Protein change: p.Ile474=; no amino-acid change (isoleucine 474 retained).
Molecular consequence: synonymous variant.
Genome position (GRCh38, 1-based): chr7:147,300,214, C>T. VCF-style: chr7-147300214-C-T. GRCh37 (hg19) VCF-style: chr7-146997306-C-T.
Identifiers: ClinVar variation 699487 (VCV000699487.33), dbSNP rs905342266, ClinGen allele CA168711488.

ClinVar aggregate classification (germline): Likely benign. Review status: criteria provided, multiple submitters, no conflicts (2 of 4 stars). 2 submissions from 2 submitters: Likely benign (2). Last evaluated 2024-01-29.

Conditions:
Cortical dysplasia-focal epilepsy syndrome (PTHSL1). Also called: Pitt-Hopkins-like syndrome 1. Identifiers: Orphanet 163681, Orphanet 221150, MedGen C2750246, MONDO:0012400, OMIM 610042.

Allele frequency attached by ClinVar (database versions not stated): TOPMed below 0.00001; gnomAD exomes 0.00001.
gnomAD v4.1: 11 of 1,613,930 alleles (0.00068%); highest among the groups gnomAD compares: Admixed American, 0.0017%; no homozygotes.

Submissions (2):

Labcorp Genetics (formerly Invitae), Labcorp
Classification: Likely benign for Cortical dysplasia-focal epilepsy syndrome. Last evaluated: 2024-01-29. Review status: criteria provided, single submitter. Criteria: Invitae Variant Classification Sherloc (09022015). Collection method: clinical testing. Allele origin: germline.

CeGaT Center for Human Genetics Tuebingen
Classification: Likely benign. Last evaluated: 2023-07-01. Review status: criteria provided, single submitter. Criteria: CeGaT Center For Human Genetics Tuebingen Variant Classification Criteria Version 2. Collection method: clinical testing. Allele origin: germline. Affected: yes. Observed: 1 variant allele.
Comment: CNTNAP2: BP4, BP7